The following is an entry in ClinVar:

NM_007373.4(SHOC2):c.1726G>A (p.Gly576Ser)

Gene: SHOC2 (SHOC2 leucine rich repeat scaffold protein; plus strand). Cytogenetic location: 10q25.2.
Variant type: single nucleotide variant.
Coding change: c.1726G>A on transcript NM_007373.4 (MANE Select); coding-DNA position 1726, G replaced by A.
Protein change: p.Gly576Ser; replaces glycine 576 with serine.
Molecular consequence: missense variant. On other transcripts: non-coding transcript variant (1).
Genome position (GRCh38, 1-based): chr10:111,011,795, G>A. VCF-style: chr10-111011795-G-A. GRCh37 (hg19) VCF-style: chr10-112771553-G-A.
Other names: c.1588G>A, p.Gly530Ser (NM_001269039.3); c.1726G>A, p.Gly576Ser (NM_001324336.2, NM_001324337.2); short protein forms G576S, G530S.
Identifiers: ClinVar variation 862242 (VCV000862242.9), dbSNP rs1848570319, ClinGen allele CA378526760.

ClinVar aggregate classification (germline): Uncertain significance (1 of 4 stars; one submission).

Conditions:
RASopathy. Also called: rasopathies; Noonan spectrum disorder. Identifiers: Orphanet 536391, MedGen C5555857, MONDO:0021060.

Submission:

Labcorp Genetics (formerly Invitae), Labcorp
Classification: Uncertain significance for RASopathy. Last evaluated: 2019-01-17. Review status: criteria provided, single submitter. Criteria: Invitae Variant Classification Sherloc (09022015). Collection method: clinical testing. Allele origin: germline.
Comment: In summary, the available evidence is currently insufficient to determine the role of this variant in disease. Therefore, it has been classified as a Variant of Uncertain Significance. Algorithms developed to predict the effect of missense changes on protein structure and function (SIFT, PolyPhen-2, Align-GVGD) all suggest that this variant is likely to be tolerated, but these predictions have not been confirmed by published functional studies and their clinical significance is uncertain. This variant has not been reported in the literature in individuals with SHOC2-related conditions. This variant is not present in population databases (ExAC no frequency). This sequence change replaces glycine with serine at codon 576 of the SHOC2 protein (p.Gly576Ser). The glycine residue is highly conserved and there is a small physicochemical difference between glycine and serine.